The following is an entry in ClinVar:

NM_004453.4(ETFDH):c.381C>T (p.Leu127=)

Gene: ETFDH (electron transfer flavoprotein dehydrogenase; plus strand). Cytogenetic location: 4q32.1.
Variant type: single nucleotide variant.
Coding change: c.381C>T on transcript NM_004453.4 (MANE Select); coding-DNA position 381, C replaced by T.
Protein change: p.Leu127=; no amino-acid change (leucine 127 retained).
Molecular consequence: synonymous variant.
Genome position (GRCh38, 1-based): chr4:158,682,400, C>T. VCF-style: chr4-158682400-C-T. GRCh37 (hg19) VCF-style: chr4-159603552-C-T.
Other names: p.Leu127=; c.240C>T, p.Leu80= (NM_001281737.2); c.198C>T, p.Leu66= (NM_001281738.1).
Identifiers: ClinVar variation 167041 (VCV000167041.27), dbSNP rs149278633, ClinGen allele CA180001.

ClinVar aggregate classification (germline): Benign/Likely benign. Review status: criteria provided, multiple submitters, no conflicts (2 of 4 stars). 10 submissions from 10 submitters: Benign (5); Likely benign (4). 1 of the submissions does not count toward it. Last evaluated 2026-09-01.

Conditions:
ETFDH-related disorder. Also called: ETFDH-related condition.
Multiple acyl-CoA dehydrogenase deficiency (MADD). Also called: ETHYLMALONIC-ADIPICACIDURIA; GA II; Glutaric aciduria, type 2; Glutaric acidemia type II; GA 2; Glutaric Acidemia type 2. Identifiers: Orphanet 26791, MedGen C0268596, MONDO:0009282, OMIM 231680.

Allele frequency attached by ClinVar (database versions not stated): gnomAD exomes 0.00028 and 0.00082; ExAC 0.00117; 1000 Genomes Project 0.00300; gnomAD 0.00332 and 0.00355; TOPMed 0.00351; 1000 Genomes Project 30x 0.00375; ESP Exome Variant Server 0.00484.
gnomAD v4.1: 927 of 1,613,988 alleles (0.057%); highest among the groups gnomAD compares: African/African-American, 1.1%; 3 homozygotes.

Submissions (10):

CeGaT Center for Human Genetics Tuebingen
Classification: Likely benign. Last evaluated: 2026-09-01. Review status: criteria provided, single submitter. Criteria: CeGaT Center For Human Genetics Tuebingen Variant Classification Criteria Version 2. Collection method: clinical testing. Allele origin: germline. Affected: yes. Observed: 1 variant allele.
Comment: ETFDH: BS1

Labcorp Genetics (formerly Invitae), Labcorp
Classification: Benign for Multiple acyl-CoA dehydrogenase deficiency. Last evaluated: 2026-02-02. Review status: criteria provided, single submitter. Criteria: Invitae Variant Classification Sherloc (09022015). Collection method: clinical testing. Allele origin: germline.

Mayo Clinic Laboratories, Mayo Clinic
Classification: Likely benign. Last evaluated: 2025-10-19. Review status: criteria provided, single submitter. Criteria: ACMG Guidelines, 2015. Collection method: clinical testing. Allele origin: germline. Observed: 4 variant alleles.
Comment: BS1, BP4, BP7

Blueprint Genetics
Classification: Likely benign. Last evaluated: 2024-09-11. Review status: criteria provided, single submitter. Criteria: ACMG Guidelines, 2015. Collection method: clinical testing. Allele origin: germline.

Fulgent Genetics
Classification: Likely benign for Multiple acyl-CoA dehydrogenase deficiency. Last evaluated: 2021-11-05. Review status: criteria provided, single submitter. Criteria: ACMG Guidelines, 2015. Collection method: clinical testing. Allele origin: unknown.

GeneDx
Classification: Benign. Last evaluated: 2018-05-08. Review status: criteria provided, single submitter. Criteria: GeneDx Variant Classification Process June 2021. Collection method: clinical testing. Allele origin: germline. Affected: yes.

Illumina Laboratory Services, Illumina
Classification: Benign for Multiple acyl-CoA dehydrogenase deficiency. Last evaluated: 2018-01-12. Review status: criteria provided, single submitter. Criteria: ICSL Variant Classification Criteria 13 December 2019. Collection method: clinical testing. Allele origin: germline.
Comment: This variant was observed in the ICSL laboratory as part of a predisposition screen in an ostensibly healthy population. It had not been previously curated by ICSL or reported in the Human Gene Mutation Database (HGMD: prior to June 1st, 2018), and was therefore a candidate for classification through an automated scoring system. Utilizing variant allele frequency, disease prevalence and penetrance estimates, and inheritance mode, an automated score was calculated to assess if this variant is too frequent to cause the disease. Based on the score and internal cut-off values, a variant classified as benign is not then subjected to further curation. The score for this variant resulted in a classification of benign for this disease.

Eurofins Ntd Llc (ga)
Classification: Benign. Last evaluated: 2014-01-17. Review status: criteria provided, single submitter. Criteria: EGL Classification Definitions 2015. Collection method: clinical testing. Allele origin: germline. Observed: 1 variant allele, 1 heterozygote.

Breakthrough Genomics
Classification: Benign. Review status: criteria provided, single submitter. Criteria: ACMG Guidelines, 2015. Collection method: not provided. Allele origin: germline. Inheritance: Autosomal recessive inheritance. Affected: yes.

PreventionGenetics, part of Exact Sciences
Classification: Benign for ETFDH-related condition. Last evaluated: 2020-06-22. Review status: no assertion criteria provided. Collection method: clinical testing. Allele origin: germline. Not counted in ClinVar's aggregate classification.
Comment: This variant is classified as benign based on ACMG/AMP sequence variant interpretation guidelines (Richards et al. 2015 PMID: 25741868, with internal and published modifications).